The following is an entry in ClinVar:

NM_003835.4(RGS9):c.392A>G (p.Lys131Arg)

Gene: RGS9 (regulator of G protein signaling 9; plus strand). Cytogenetic location: 17q24.1.
Variant type: single nucleotide variant.
Coding change: c.392A>G on transcript NM_003835.4 (MANE Select); coding-DNA position 392, A replaced by G.
Protein change: p.Lys131Arg; replaces lysine 131 with arginine.
Molecular consequence: missense variant.
Genome position (GRCh38, 1-based): chr17:65,160,878, A>G. VCF-style: chr17-65160878-A-G. GRCh37 (hg19) VCF-style: chr17-63156996-A-G.
Other names: c.392A>G, p.Lys131Arg (NM_001081955.3, NM_001165933.2); c.392A>G (NM_003835.3); short protein forms K131R.
Identifiers: ClinVar variation 1984731 (VCV001984731.7), dbSNP rs1399438731, ClinGen allele CA400664708.

ClinVar aggregate classification (germline): Uncertain significance. Review status: criteria provided, multiple submitters, no conflicts (2 of 4 stars). 2 submissions from 2 submitters: Uncertain significance (2). Last evaluated 2025-06-07.

Conditions:
Inborn genetic diseases. Identifiers: MedGen C0950123, MeSH D030342.

Allele frequency attached by ClinVar (database versions not stated): gnomAD exomes below 0.00001; TOPMed below 0.00001.
gnomAD v4.1: 1 of 1,614,052 alleles (0.000062%); highest among the groups gnomAD compares: Non-Finnish European, 0.000085%; no homozygotes.

Submissions (2):

Ambry Genetics
Classification: Uncertain significance for Inborn genetic diseases. Last evaluated: 2025-06-07. Review status: criteria provided, single submitter. Criteria: Ambry Variant Classification Scheme 2023. Collection method: clinical testing. Allele origin: germline.

Labcorp Genetics (formerly Invitae), Labcorp
Classification: Uncertain significance. Last evaluated: 2022-05-21. Review status: criteria provided, single submitter. Criteria: Invitae Variant Classification Sherloc (09022015). Collection method: clinical testing. Allele origin: germline.
Comment: Algorithms developed to predict the effect of missense changes on protein structure and function (SIFT, PolyPhen-2, Align-GVGD) all suggest that this variant is likely to be tolerated. In summary, the available evidence is currently insufficient to determine the role of this variant in disease. Therefore, it has been classified as a Variant of Uncertain Significance. This variant has not been reported in the literature in individuals affected with RGS9-related conditions. This sequence change replaces lysine, which is basic and polar, with arginine, which is basic and polar, at codon 131 of the RGS9 protein (p.Lys131Arg). This variant is present in population databases (no rsID available, gnomAD 0.0009%).